The following is an entry in ClinVar:

ClinVar aggregate classification (germline): Benign. Review status: criteria provided, multiple submitters, no conflicts (2 of 4 stars). 2 submissions from 2 submitters: Benign (2). Last evaluated 2018-01-13.

Conditions:
Stuve-Wiedemann syndrome (STWS). Also called: Stüve-Wiedemann syndrome. Identifiers: Orphanet 3206, MedGen C0796176, MONDO:0031280.

Allele frequency attached by ClinVar (database versions not stated): 1000 Genomes Project 0.14217; 1000 Genomes Project 30x 0.14897; gnomAD exomes 0.16482; gnomAD 0.18022 and 0.18293; TOPMed 0.18330.
gnomAD v4.1: 36,877 of 208,740 alleles (18%); highest among the groups gnomAD compares: Admixed American, 21%; 3,619 homozygotes.

Submissions (2):

Illumina Laboratory Services, Illumina
Classification: Benign for Stüve-Wiedemann syndrome 1. Last evaluated: 2018-01-13. Review status: criteria provided, single submitter. Criteria: ICSL Variant Classification Criteria 13 December 2019. Collection method: clinical testing. Allele origin: germline.
Comment: This variant was observed in the ICSL laboratory as part of a predisposition screen in an ostensibly healthy population. It had not been previously curated by ICSL or reported in the Human Gene Mutation Database (HGMD: prior to June 1st, 2018), and was therefore a candidate for classification through an automated scoring system. Utilizing variant allele frequency, disease prevalence and penetrance estimates, and inheritance mode, an automated score was calculated to assess if this variant is too frequent to cause the disease. Based on the score and internal cut-off values, a variant classified as benign is not then subjected to further curation. The score for this variant resulted in a classification of benign for this disease.

Breakthrough Genomics
Classification: Benign. Review status: criteria provided, single submitter. Criteria: ACMG Guidelines, 2015. Collection method: not provided. Allele origin: germline. Inheritance: Autosomal recessive inheritance. Affected: yes.

NM_001127671.2(LIFR):c.*5169T>A

Gene: LIFR (LIF receptor subunit alpha; minus strand). Cytogenetic location: 5p13.1.
Variant type: single nucleotide variant.
Coding change: c.*5169T>A on transcript NM_001127671.2 (MANE Select); 5169 bases downstream of the stop codon, T replaced by A.
Molecular consequence: 3 prime UTR variant.
Genome position (GRCh38, 1-based): chr5:38,476,426, A>T on the plus strand (T>A on the coding strand, the complement: LIFR is on the minus strand). VCF-style: chr5-38476426-A-T. GRCh37 (hg19) VCF-style: chr5-38476528-A-T.
Other names: c.*5169T>A (NM_001364297.2, NM_001364298.2, NM_002310.6).
Identifiers: ClinVar variation 353538 (VCV000353538.6), dbSNP rs3822426, ClinGen allele CA10624504.